The following is an entry in ClinVar:

ClinVar aggregate classification (germline): Uncertain significance (1 of 4 stars; one submission).

Conditions:
Duchenne muscular dystrophy (DMD). Also called: MUSCULAR DYSTROPHY, PSEUDOHYPERTROPHIC PROGRESSIVE, DUCHENNE TYPE; Duchenne Muscular Dystrophy (DMD). Identifiers: Orphanet 98896, MedGen C0013264, MONDO:0010679, OMIM 310200.

Allele frequency attached by ClinVar (database versions not stated): gnomAD exomes below 0.00001; TOPMed 0.00001.
gnomAD v4.1: 1 of 1,211,891 alleles (0.000083%); highest among the groups gnomAD compares: Non-Finnish European, 0.00011%; no homozygotes.

Submission:

Labcorp Genetics (formerly Invitae), Labcorp
Classification: Uncertain significance for Duchenne muscular dystrophy. Last evaluated: 2023-08-17. Review status: criteria provided, single submitter. Criteria: Invitae Variant Classification Sherloc (09022015). Collection method: clinical testing. Allele origin: germline.
Comment: In summary, the available evidence is currently insufficient to determine the role of this variant in disease. Therefore, it has been classified as a Variant of Uncertain Significance. Advanced modeling of protein sequence and biophysical properties (such as structural, functional, and spatial information, amino acid conservation, physicochemical variation, residue mobility, and thermodynamic stability) performed at Invitae indicates that this missense variant is not expected to disrupt DMD protein function. ClinVar contains an entry for this variant (Variation ID: 1362454). This variant has not been reported in the literature in individuals affected with DMD-related conditions. This variant is not present in population databases (gnomAD no frequency). This sequence change replaces asparagine, which is neutral and polar, with aspartic acid, which is acidic and polar, at codon 2641 of the DMD protein (p.Asn2641Asp).

NM_004006.3(DMD):c.7921A>G (p.Asn2641Asp)

Gene: DMD (dystrophin; minus strand). Cytogenetic location: Xp21.1.
Variant type: single nucleotide variant.
Coding change: c.7921A>G on transcript NM_004006.3 (MANE Select); coding-DNA position 7921, A replaced by G.
Protein change: p.Asn2641Asp; replaces asparagine 2641 with aspartic acid.
Molecular consequence: missense variant.
Genome position (GRCh38, 1-based): chrX:31,658,096, T>C on the plus strand (A>G on the coding strand, the complement: DMD is on the minus strand). VCF-style: chrX-31658096-T-C. GRCh37 (hg19) VCF-style: chrX-31676213-T-C.
Other names: c.7897A>G, p.Asn2633Asp (NM_000109.4); c.7909A>G, p.Asn2637Asp (NM_004009.3); c.7552A>G, p.Asn2518Asp (NM_004010.3); c.3898A>G, p.Asn1300Asp (NM_004011.4); c.3889A>G, p.Asn1297Asp (NM_004012.4); c.541A>G, p.Asn181Asp (NM_004013.3, NM_004020.4, NM_004021.3 and 2 more transcripts); short protein forms N1297D, N1300D, N2637D, N2518D, N2633D, N181D, N2641D.
Identifiers: ClinVar variation 1362454 (VCV001362454.7), dbSNP rs2080895011, ClinGen allele CA412655948.
Genomic context (GRCh38, chrX:31,658,096, plus strand): 5'-TGTGGACTTTTCTGGTATCATCTGCAGAATAATCCCGGAGAAGTTTCAGGGCCAAGTCAT[T>C]TGCCACATCTACATTTGTCTGCCACTGGCGGAGGTCTTTGGCCAACTGCTATAGATTTTT-3'
Protein context (NP_003997.2, residues 2631-2651): RQWQTNVDVA[Asn2641Asp]DLALKLLRDY